The following is an entry in ClinVar:

NM_144643.4(SCLT1):c.957C>A (p.Cys319Ter)

Gene: SCLT1 (sodium channel and clathrin linker 1; minus strand). Cytogenetic location: 4q28.2.
Variant type: single nucleotide variant.
Coding change: c.957C>A on transcript NM_144643.4 (MANE Select); coding-DNA position 957, C replaced by A.
Protein change: p.Cys319Ter; replaces cysteine 319 with a stop codon.
Molecular consequence: nonsense.
Genome position (GRCh38, 1-based): chr4:128,959,690, G>T on the plus strand (C>A on the coding strand, the complement: SCLT1 is on the minus strand). VCF-style: chr4-128959690-G-T. GRCh37 (hg19) VCF-style: chr4-129880845-G-T.
Other names: c.957C>A, p.Cys319Ter (NM_001410807.1); short protein forms C319*.
Identifiers: ClinVar variation 2040063 (VCV002040063.4), dbSNP rs760473402, ClinGen allele CA3079773.
Genomic context (GRCh38, chr4:128,959,690, plus strand): 5'-GAGTTGCATGCTATTTCTGGCTCTTACAATAGCCTCATATCTCTCATTTTCTAATTCATT[G>T]CACTTTGCTTGTAGCTCTCTGGTCTGTTTTTCCAGATGTGTATTTTCGGTTCTTAATTGG-3'

ClinVar aggregate classification (germline): Pathogenic (1 of 4 stars; one submission).

Allele frequency attached by ClinVar (database versions not stated): ExAC 0.00001; gnomAD 0.00001.
gnomAD v4.1: 1 of 1,612,926 alleles (0.000062%); highest among the groups gnomAD compares: Non-Finnish European, 0.000085%; no homozygotes.

Submission:

Labcorp Genetics (formerly Invitae), Labcorp
Classification: Pathogenic. Last evaluated: 2022-12-16. Review status: criteria provided, single submitter. Criteria: Invitae Variant Classification Sherloc (09022015). Collection method: clinical testing. Allele origin: germline.
Comment: This sequence change creates a premature translational stop signal (p.Cys319*) in the SCLT1 gene. It is expected to result in an absent or disrupted protein product. Loss-of-function variants in SCLT1 are known to be pathogenic (PMID: 28005958). This variant is present in population databases (rs760473402, gnomAD 0.0009%). This variant has not been reported in the literature in individuals affected with SCLT1-related conditions. For these reasons, this variant has been classified as Pathogenic.

Literature cited by the submitters: PubMed 28005958.